The following is an entry in ClinVar:

NM_001080467.3(MYO5B):c.4428C>T (p.Asp1476=)

Genes: MYO5B (myosin VB; minus strand), SNHG22 (small nucleolar RNA host gene 22; plus strand). Cytogenetic location: 18q21.1.
Variant type: single nucleotide variant.
Coding change: c.4428C>T on transcript NM_001080467.3 (MANE Select); coding-DNA position 4428, C replaced by T.
Protein change: p.Asp1476=; no amino-acid change (aspartic acid 1476 retained).
Molecular consequence: synonymous variant.
Genome position (GRCh38, 1-based): chr18:49,847,177, G>A on the plus strand (C>T on the coding strand, the complement: MYO5B is on the minus strand). VCF-style: chr18-49847177-G-A. GRCh37 (hg19) VCF-style: chr18-47373547-G-A.
Other names: c.4428C>T (NM_001080467.2).
Identifiers: ClinVar variation 1900409 (VCV001900409.6), dbSNP rs576835999, ClinGen allele CA8960375.

ClinVar aggregate classification (germline): Likely benign. Review status: criteria provided, multiple submitters, no conflicts (2 of 4 stars). 2 submissions from 2 submitters: Likely benign (2). Last evaluated 2026-01-02.

Conditions:
MYO5B-related disorder. Also called: MYO5B-related condition.

Allele frequency attached by ClinVar (database versions not stated): ExAC 0.00001; TOPMed 0.00001; gnomAD 0.00002; gnomAD exomes 0.00002.
gnomAD v4.1: 33 of 1,614,006 alleles (0.002%); highest among the groups gnomAD compares: East Asian, 0.0067%; no homozygotes.

Submissions (2):

Labcorp Genetics (formerly Invitae), Labcorp
Classification: Likely benign. Last evaluated: 2026-01-02. Review status: criteria provided, single submitter. Criteria: Invitae Variant Classification Sherloc (09022015). Collection method: clinical testing. Allele origin: germline.

PreventionGenetics, part of Exact Sciences
Classification: Likely benign for MYO5B-related condition. Last evaluated: 2025-03-12. Review status: criteria provided, single submitter. Criteria: ACMG Guidelines, 2015. Collection method: clinical testing. Allele origin: germline.
Comment: This variant is classified as likely benign based on ACMG/AMP sequence variant interpretation guidelines (Richards et al. 2015 PMID: 25741868, with internal and published modifications).